The following is an entry in ClinVar:

NM_172250.3(MMAA):c.1157G>A (p.Arg386Gln)

Gene: MMAA (metabolism of cobalamin associated A; plus strand). Cytogenetic location: 4q31.21.
Variant type: single nucleotide variant.
Coding change: c.1157G>A on transcript NM_172250.3 (MANE Select); coding-DNA position 1157, G replaced by A.
Protein change: p.Arg386Gln; replaces arginine 386 with glutamine.
Molecular consequence: missense variant.
Genome position (GRCh38, 1-based): chr4:145,655,334, G>A. VCF-style: chr4-145655334-G-A. GRCh37 (hg19) VCF-style: chr4-146576486-G-A.
Other names: c.1157G>A, p.Arg386Gln (NM_001375644.1); short protein forms R386Q.
Identifiers: ClinVar variation 1029265 (VCV001029265.7), dbSNP rs191643294, ClinGen allele CA3095369.

ClinVar aggregate classification (germline): Uncertain significance. Review status: criteria provided, multiple submitters, no conflicts (2 of 4 stars). 3 submissions from 3 submitters: Uncertain significance (3). Last evaluated 2022-07-18.

Conditions:
Methylmalonic aciduria, cblA type (MACA). Also called: Methylmalonic aciduria, vitamin b12-responsive, due to defect in synthesis of adenosylcobalamin, cbla complementation type; MMA cbl A type; Methylmalonic acidemia cblA type; Methylmalonic aciduria, vitamin B12-responsive; Vitamin B12-responsive methylmalonic acidemia type cblA. Identifiers: Orphanet 28, Orphanet 79310, MedGen C1855109, MONDO:0009613, OMIM 251100.

Allele frequency attached by ClinVar (database versions not stated): gnomAD 0.00001 and 0.00003; TOPMed 0.00002.
gnomAD v4.1: 61 of 1,614,154 alleles (0.0038%); highest among the groups gnomAD compares: Middle Eastern, 0.082%; no homozygotes.

Submissions (3):

Labcorp Genetics (formerly Invitae), Labcorp
Classification: Uncertain significance for Methylmalonic aciduria, cblA type. Last evaluated: 2022-07-18. Review status: criteria provided, single submitter. Criteria: Invitae Variant Classification Sherloc (09022015). Collection method: clinical testing. Allele origin: germline.
Comment: This sequence change replaces arginine, which is basic and polar, with glutamine, which is neutral and polar, at codon 386 of the MMAA protein (p.Arg386Gln). This variant is present in population databases (rs191643294, gnomAD 0.01%). This variant has not been reported in the literature in individuals affected with MMAA-related conditions. ClinVar contains an entry for this variant (Variation ID: 1029265). Advanced modeling of protein sequence and biophysical properties (such as structural, functional, and spatial information, amino acid conservation, physicochemical variation, residue mobility, and thermodynamic stability) performed at Invitae indicates that this missense variant is not expected to disrupt MMAA protein function. In summary, the available evidence is currently insufficient to determine the role of this variant in disease. Therefore, it has been classified as a Variant of Uncertain Significance.

Genome-Nilou Lab
Classification: Uncertain significance for Methylmalonic aciduria, cblA type. Last evaluated: 2021-07-14. Review status: criteria provided, single submitter. Criteria: ACMG Guidelines, 2015. Collection method: clinical testing. Allele origin: germline. Affected: no.

Baylor Genetics
Classification: Uncertain significance for Methylmalonic aciduria, cblA type. Last evaluated: 2020-01-20. Review status: criteria provided, single submitter. Criteria: ACMG Guidelines, 2015. Collection method: clinical testing. Allele origin: unknown. Affected: yes.
Comment: This variant was determined to be of uncertain significance according to ACMG Guidelines, 2015 [PMID:25741868].